The following is an entry in ClinVar:

NM_000383.4(AIRE):c.117del (p.Glu40fs)

Gene: AIRE (autoimmune regulator; plus strand). Cytogenetic location: 21q22.3.
Variant type: Deletion.
Coding change: c.117del on transcript NM_000383.4 (MANE Select); coding-DNA position 117, one base deleted (C; older notation c.117delC).
Protein change: p.Glu40fs; shifts the reading frame from glutamic acid 40.
Molecular consequence: frameshift variant.
Genome position (GRCh38, 1-based): chr21:44,286,123, C deleted; the last of 4 consecutive C bases (chr21:44,286,120-44,286,123); deleting any one gives the same sequence. VCF-style (leftmost placement, unchanged base first): chr21-44286119-TC-T. GRCh37 (hg19) VCF-style: chr21-45706002-TC-T.
Other names: short protein forms E40fs.
Identifiers: ClinVar variation 803632 (VCV000803632.4), dbSNP rs1248788128, ClinGen allele CA749675260.
Genomic context (GRCh38, chr21:44,286,119, plus strand): 5'-TCGCGGTGGCCGTGGACAGCGCCTTCCCACTGCTGCACGCGCTGGCTGACCACGACGTGG[TC>T]CCCGAGGACAAGTTTCAGGTGGGCTCCCCGCCCGCCCCCCGCTGCCCCCAGGCCCTGTGA-3'

ClinVar aggregate classification (germline): Pathogenic/Likely pathogenic. Review status: criteria provided, multiple submitters, no conflicts (2 of 4 stars). 3 submissions from 3 submitters: Pathogenic (2); Likely pathogenic (1). Last evaluated 2023-10-16.

Conditions:
Polyglandular autoimmune syndrome, type 1 (APS1). Also called: PGA I; Autoimmune polyendocrinopathy syndrome , type I, with or without reversible metaphyseal dysplasia; AUTOIMMUNE POLYENDOCRINE SYNDROME, TYPE I, WITH OR WITHOUT REVERSIBLE METAPHYSEAL DYSPLASIA; Autoimmune polyendocrine syndrome type 1; Autoimmune polyendocrinopathy syndrome, type I; APS I. Identifiers: Orphanet 3453, MedGen C0085859, MONDO:0009411, OMIM 240300.

Submissions (3):

3billion
Classification: Pathogenic for Polyglandular autoimmune syndrome, type 1. Last evaluated: 2023-10-16. Review status: criteria provided, single submitter. Criteria: ACMG Guidelines, 2015. Collection method: clinical testing. Allele origin: germline. Affected: yes.
Comment: The variant is not observed in the gnomAD v2.1.1 dataset. Predicted Consequence/Location: Frameshift: predicted to result in a loss or disruption of normal protein function through nonsense-mediated decay (NMD) or protein truncation. Multiple pathogenic variants are reported downstream of the variant. The variant has been reported to be associated with AIRE related disorder (ClinVar ID: VCV000803632). However, the evidence of pathogenicity is insufficient at this time. Therefore, this variant is classified as Pathogenic according to the recommendation of ACMG/AMP guideline.

Mendelics
Classification: Pathogenic for Polyglandular autoimmune syndrome, type 1. Last evaluated: 2019-05-28. Review status: criteria provided, single submitter. Criteria: Mendelics Assertion Criteria 2017. Collection method: clinical testing. Allele origin: unknown.

Juno Genomics, Hangzhou Juno Genomics, Inc
Classification: Likely pathogenic for Polyglandular autoimmune syndrome, type 1. Review status: criteria provided, single submitter. Criteria: ACMG Guidelines, 2015. Collection method: clinical testing. Allele origin: germline.
Comment: Null variant in a gene where loss of function (LOF) is a known mechanism of disease.;Absent from controls (or at extremely low frequency if recessive) in Genome Aggregation Database.